The following is an entry in ClinVar:

ClinVar aggregate classification (germline): Likely benign. Review status: criteria provided, multiple submitters, no conflicts (2 of 4 stars). 8 submissions from 8 submitters: Likely benign (6). 2 of the submissions do not count toward it. Last evaluated 2025-10-13.

Conditions:
MYH11-related disorder. Also called: MYH11-related condition.
Familial thoracic aortic aneurysm and aortic dissection (TAAD). Also called: Thoracic aortic aneurysms and dissections. Identifiers: Orphanet 91387, MedGen C4707243, MONDO:0019625.
Aortic aneurysm, familial thoracic 4 (AAT4). Also called: AORTIC ANEURYSM/AORTIC DISSECTION AND PATENT DUCTUS ARTERIOSUS. Identifiers: MedGen C1851504, MONDO:0007568, OMIM 132900.

Allele frequency attached by ClinVar (database versions not stated): ExAC 0.00001; TOPMed 0.00001; gnomAD 0.00002; gnomAD exomes 0.00003.
gnomAD v4.1: 41 of 1,613,820 alleles (0.0025%); highest among the groups gnomAD compares: Non-Finnish European, 0.0034%; no homozygotes.

Submissions (8):

PreventionGenetics, part of Exact Sciences
Classification: Likely benign for MYH11-related condition. Last evaluated: 2025-10-13. Review status: criteria provided, single submitter. Criteria: ACMG Guidelines, 2015. Collection method: clinical testing. Allele origin: germline.
Comment: This variant is classified as likely benign based on ACMG/AMP sequence variant interpretation guidelines (Richards et al. 2015 PMID: 25741868, with internal and published modifications).

Labcorp Genetics (formerly Invitae), Labcorp
Classification: Likely benign for Aortic aneurysm, familial thoracic 4. Last evaluated: 2025-02-15. Review status: criteria provided, single submitter. Criteria: Invitae Variant Classification Sherloc (09022015). Collection method: clinical testing. Allele origin: germline.

All of Us Research Program, National Institutes of Health
Classification: Likely benign for Familial thoracic aortic aneurysm and aortic dissection. Last evaluated: 2023-11-02. Review status: criteria provided, single submitter. Criteria: ACMG Guidelines, 2015. Collection method: clinical testing. Allele origin: germline. Inheritance: Autosomal dominant inheritance. Observed: 3 variant alleles, 3 heterozygotes.
Comment: This study involves interpretation of variants in research participants for the purpose of population health screening. Participant phenotype was not available at the time of variant classification. Additional details can be found in publication PMID: 35346344, PMCID: PMC8962531

Ambry Genetics
Classification: Likely benign for Familial thoracic aortic aneurysm and aortic dissection. Last evaluated: 2021-03-13. Review status: criteria provided, single submitter. Criteria: Ambry Variant Classification Scheme 2023. Collection method: clinical testing. Allele origin: germline.

GeneDx
Classification: Likely benign. Last evaluated: 2021-01-20. Review status: criteria provided, single submitter. Criteria: GeneDx Variant Classification Process June 2021. Collection method: clinical testing. Allele origin: germline. Affected: yes.

Color Diagnostics, LLC DBA Color Health
Classification: Likely benign for Familial thoracic aortic aneurysm and aortic dissection. Last evaluated: 2019-03-07. Review status: criteria provided, single submitter. Criteria: ACMG Guidelines, 2015. Collection method: clinical testing. Allele origin: germline.

Clinical Genetics DNA and cytogenetics Diagnostics Lab, Erasmus MC, Erasmus Medical Center
Classification: Likely benign. Review status: no assertion criteria provided. Collection method: clinical testing. Allele origin: germline. Affected: yes. Study: VKGL Data-share Consensus. Not counted in ClinVar's aggregate classification.

Genome Diagnostics Laboratory, Amsterdam University Medical Center
Classification: Likely benign. Review status: no assertion criteria provided. Collection method: clinical testing. Allele origin: germline. Affected: yes. Study: VKGL Data-share Consensus. Not counted in ClinVar's aggregate classification.

NM_002474.3(MYH11):c.1413C>T (p.Phe471=)

Gene: MYH11 (myosin heavy chain 11; minus strand). Cytogenetic location: 16p13.11.
Variant type: single nucleotide variant.
Coding change: c.1413C>T on transcript NM_002474.3 (MANE Select); coding-DNA position 1413, C replaced by T.
Protein change: p.Phe471=; no amino-acid change (phenylalanine 471 retained).
Molecular consequence: synonymous variant.
Genome position (GRCh38, 1-based): chr16:15,757,989, G>A on the plus strand (C>T on the coding strand, the complement: MYH11 is on the minus strand). VCF-style: chr16-15757989-G-A. GRCh37 (hg19) VCF-style: chr16-15851846-G-A.
Other names: c.1434C>T, p.Phe478= (NM_001040113.2, NM_001040114.2); c.1413C>T, p.Phe471= (NM_022844.3).
Identifiers: ClinVar variation 381193 (VCV000381193.32), dbSNP rs758885290, ClinGen allele CA7922608.